The following is an entry in ClinVar:

NM_004369.4(COL6A3):c.4503C>A (p.Asp1501Glu)

Gene: COL6A3 (collagen type VI alpha 3 chain; minus strand). Cytogenetic location: 2q37.3.
Variant type: single nucleotide variant.
Coding change: c.4503C>A on transcript NM_004369.4 (MANE Select); coding-DNA position 4503, C replaced by A.
Protein change: p.Asp1501Glu; replaces aspartic acid 1501 with glutamic acid.
Molecular consequence: missense variant.
Genome position (GRCh38, 1-based): chr2:237,368,960, G>T on the plus strand (C>A on the coding strand, the complement: COL6A3 is on the minus strand). VCF-style: chr2-237368960-G-T. GRCh37 (hg19) VCF-style: chr2-238277603-G-T.
Other names: c.2682C>A, p.Asp894Glu (NM_057166.5); c.3885C>A, p.Asp1295Glu (NM_057167.4); short protein forms D894E, D1295E, D1501E.
Identifiers: ClinVar variation 659828 (VCV000659828.9), dbSNP rs115551245, ClinGen allele CA351193190.

ClinVar aggregate classification (germline): Uncertain significance (1 of 4 stars; one submission).

Conditions:
Bethlem myopathy 1A. Also called: Bethlem Muscular Dystrophy; Bethlem myopathy 1; MYOPATHY, BENIGN CONGENITAL, WITH CONTRACTURES. Identifiers: Orphanet 610, MedGen CN029274, MONDO:0024530, OMIM 158810.

Submission:

Labcorp Genetics (formerly Invitae), Labcorp
Classification: Uncertain significance for Bethlem myopathy 1A. Last evaluated: 2018-07-31. Review status: criteria provided, single submitter. Criteria: Invitae Variant Classification Sherloc (09022015). Collection method: clinical testing. Allele origin: germline.
Comment: In summary, the available evidence is currently insufficient to determine the role of this variant in disease. Therefore, it has been classified as a Variant of Uncertain Significance. Algorithms developed to predict the effect of missense changes on protein structure and function output the following: SIFT: "Tolerated"; PolyPhen-2: "Benign"; Align-GVGD: "Class C0". The glutamic acid amino acid residue is found in multiple mammalian species, suggesting that this missense change does not adversely affect protein function. These predictions have not been confirmed by published functional studies and their clinical significance is uncertain. This variant has not been reported in the literature in individuals with COL6A3-related disease. This variant is not present in population databases (ExAC no frequency). This sequence change replaces aspartic acid with glutamic acid at codon 1501 of the COL6A3 protein (p.Asp1501Glu). The aspartic acid residue is moderately conserved and there is a small physicochemical difference between aspartic acid and glutamic acid.